The following is an entry in ClinVar:

ClinVar aggregate classification (germline): Benign/Likely benign. Review status: criteria provided, multiple submitters, no conflicts (2 of 4 stars). 5 submissions from 5 submitters: Benign (2); Likely benign (3). Last evaluated 2026-05-11.

Conditions:
Iodotyrosyl coupling defect (TDH3). Also called: HYPOTHYROIDISM, CONGENITAL, DUE TO DYSHORMONOGENESIS, 3; THYROID HORMONOGENESIS, GENETIC DEFECT IN, 3. Identifiers: Orphanet 95716, MedGen C0342194, MONDO:0010135, OMIM 274700.

Allele frequency attached by ClinVar (database versions not stated): 1000 Genomes Project 0.00819; ESP Exome Variant Server 0.00023; TOPMed 0.00637; 1000 Genomes Project 30x 0.00999.
gnomAD v4.1: 4,347 of 1,611,436 alleles (0.27%); highest among the groups gnomAD compares: Admixed American, 6.1%; 144 homozygotes.

Submissions (5):

Women's Health and Genetics/Laboratory Corporation of America, LabCorp
Classification: Benign. Last evaluated: 2026-05-11. Review status: criteria provided, single submitter. Criteria: LabCorp Variant Classification Summary - May 2015. Collection method: clinical testing. Allele origin: germline.

Labcorp Genetics (formerly Invitae), Labcorp
Classification: Benign. Last evaluated: 2026-02-01. Review status: criteria provided, single submitter. Criteria: Invitae Variant Classification Sherloc (09022015). Collection method: clinical testing. Allele origin: germline.

Illumina Laboratory Services, Illumina
Classification: Likely benign for Iodotyrosyl coupling defect. Last evaluated: 2018-01-13. Review status: criteria provided, single submitter. Criteria: ICSL Variant Classification Criteria 13 December 2019. Collection method: clinical testing. Allele origin: germline.
Comment: This variant was observed in the ICSL laboratory as part of a predisposition screen in an ostensibly healthy population. It had not been previously curated by ICSL or reported in the Human Gene Mutation Database (HGMD: prior to June 1st, 2018), and was therefore a candidate for classification through an automated scoring system. Utilizing variant allele frequency, disease prevalence and penetrance estimates, and inheritance mode, an automated score was calculated to assess if this variant is too frequent to cause the disease. Based on the score and internal cut-off values, a variant classified as likely benign is not then subjected to further curation. The score for this variant resulted in a classification of likely benign for this disease.

Breakthrough Genomics
Classification: Likely benign. Review status: criteria provided, single submitter. Criteria: ACMG Guidelines, 2015. Collection method: not provided. Allele origin: germline. Inheritance: Autosomal recessive inheritance. Affected: yes.

PreventionGenetics, part of Exact Sciences
Classification: Likely benign. Review status: criteria provided, single submitter. Criteria: ACMG Guidelines, 2015. Collection method: clinical testing. Allele origin: germline.

NM_003235.5(TG):c.478+15G>A

Gene: TG (thyroglobulin; plus strand). Cytogenetic location: 8q24.22.
Variant type: single nucleotide variant.
Coding change: c.478+15G>A on transcript NM_003235.5 (MANE Select); 15 bases into the intron after coding-DNA position 478, G replaced by A.
Molecular consequence: intron variant.
Genome position (GRCh38, 1-based): chr8:132,871,566, G>A. VCF-style: chr8-132871566-G-A. GRCh37 (hg19) VCF-style: chr8-133883811-G-A.
Identifiers: ClinVar variation 258995 (VCV000258995.11), dbSNP rs141561325, ClinGen allele CA4882910.